The following is an entry in ClinVar:

ClinVar aggregate classification (germline): Uncertain significance. Review status: criteria provided, multiple submitters, no conflicts (2 of 4 stars). 3 submissions from 3 submitters: Uncertain significance (3). Last evaluated 2025-11-07.

Conditions:
Beta-D-mannosidosis (MANSB). Also called: MANNOSIDOSIS, BETA A, LYSOSOMAL; BETA-MANNOSIDASE DEFICIENCY; Beta-Mannosidosis; LYSOSOMAL BETA-MANNOSIDASE DEFICIENCY. Identifiers: Orphanet 118, MedGen C4048196, MONDO:0009562, OMIM 248510.

Allele frequency attached by ClinVar (database versions not stated): ExAC 0.00001; gnomAD 0.00001; gnomAD exomes 0.00001; TOPMed 0.00001.
gnomAD v4.1: 15 of 1,607,128 alleles (0.00093%); highest among the groups gnomAD compares: Admixed American, 0.0017%; no homozygotes.

Submissions (3):

Women's Health and Genetics/Laboratory Corporation of America, LabCorp
Classification: Uncertain significance. Last evaluated: 2025-11-07. Review status: criteria provided, single submitter. Criteria: LabCorp Variant Classification Summary - May 2015. Collection method: clinical testing. Allele origin: germline.
Comment: Variant summary: MANBA c.649T>C (p.Tyr217His) results in a conservative amino acid change in the encoded protein sequence. Algorithms developed to predict the effect of missense changes on protein structure and function all suggest that this variant is likely to be tolerated. The variant allele was found at a frequency of 1.2e-05 in 251320 control chromosomes. The available data on variant occurrences in the general population are insufficient to allow any conclusion about variant significance. To our knowledge, no occurrence of c.649T>C in individuals affected with MANBA-related conditions and no experimental evidence demonstrating its impact on protein function have been reported. The following publication has been ascertained in the context of this evaluation (PMID: 35442417). ClinVar contains an entry for this variant (Variation ID: 1361211). Based on the evidence outlined above, the variant was classified as uncertain significance.

Blueprint Genetics
Classification: Uncertain significance. Last evaluated: 2024-10-22. Review status: criteria provided, single submitter. Criteria: ACMG Guidelines, 2015. Collection method: clinical testing. Allele origin: germline.

Labcorp Genetics (formerly Invitae), Labcorp
Classification: Uncertain significance for Beta-D-mannosidosis. Last evaluated: 2021-11-30. Review status: criteria provided, single submitter. Criteria: Invitae Variant Classification Sherloc (09022015). Collection method: clinical testing. Allele origin: germline.
Comment: This sequence change replaces tyrosine, which is neutral and polar, with histidine, which is basic and polar, at codon 217 of the MANBA protein (p.Tyr217His). This variant is present in population databases (rs757677635, gnomAD 0.0009%). This variant has not been reported in the literature in individuals affected with MANBA-related conditions. Algorithms developed to predict the effect of missense changes on protein structure and function output the following: SIFT: "Tolerated"; PolyPhen-2: "Benign"; Align-GVGD: "Class C0". The histidine amino acid residue is found in multiple mammalian species, which suggests that this missense change does not adversely affect protein function. In summary, the available evidence is currently insufficient to determine the role of this variant in disease. Therefore, it has been classified as a Variant of Uncertain Significance.

Literature cited by the submitters: PubMed 35442417 (cited by Women's Health and Genetics/Laboratory Corporation of America, LabCorp).

NM_005908.4(MANBA):c.649T>C (p.Tyr217His)

Gene: MANBA (mannosidase beta; minus strand). Cytogenetic location: 4q24.
Variant type: single nucleotide variant.
Coding change: c.649T>C on transcript NM_005908.4 (MANE Select); coding-DNA position 649, T replaced by C.
Protein change: p.Tyr217His; replaces tyrosine 217 with histidine.
Molecular consequence: missense variant.
Genome position (GRCh38, 1-based): chr4:102,714,462, A>G on the plus strand (T>C on the coding strand, the complement: MANBA is on the minus strand). VCF-style: chr4-102714462-A-G. GRCh37 (hg19) VCF-style: chr4-103635619-A-G.
Other names: short protein forms Y217H.
Identifiers: ClinVar variation 1361211 (VCV001361211.5), dbSNP rs757677635, ClinGen allele CA3027162.
Genomic context (GRCh38, chr4:102,714,462, plus strand): 5'-CTCAAAAAGAAAAAAAAATCACATCTTTCAGCTTACCATATATTGGGGAAAATGTGAAGT[A>G]GTTCAGGTGACAAATATTATAGGCTTCAATTCTAACATCTTTCCAGATTCCCTGGGTAGG-3'
Protein context (NP_005899.3, residues 207-227): IEAYNICHLN[Tyr217His]FTFSPIYDKS